The following is an entry in ClinVar:

ClinVar aggregate classification (germline): Pathogenic. Review status: criteria provided, multiple submitters, no conflicts (2 of 4 stars). 11 submissions from 11 submitters: Pathogenic (11). Last evaluated 2026-01-26.

Conditions:
PKD1-related disorder. Also called: PKD1-related condition.
Inborn genetic diseases. Identifiers: MedGen C0950123, MeSH D030342.
Polycystic kidney disease, adult type (PKD1). Also called: POLYCYSTIC KIDNEY DISEASE, ADULT, TYPE I; Polycystic Kidney, Autosomal Dominant; Polycystic Kidney Disease 1, Autosomal Dominant; Polycystic kidney disease 1; Polycystic kidney disease 1, severe; POLYCYSTIC KIDNEY DISEASE 1 WITH OR WITHOUT POLYCYSTIC LIVER DISEASE. Identifiers: MedGen C3149841, MONDO:0008263, OMIM 173900.

Allele frequency attached by ClinVar (database versions not stated): gnomAD exomes below 0.00001; ExAC 0.00001.

Submissions (11):

Medical and Scientific Branch, Hong Kong Genome Institute
Classification: Pathogenic for Polycystic kidney disease, adult type. Last evaluated: 2026-01-26. Review status: criteria provided, single submitter. Criteria: ACMG Guidelines, 2015. Collection method: clinical testing. Allele origin: maternal. Affected: yes.

GeneDx
Classification: Pathogenic. Last evaluated: 2025-12-31. Review status: criteria provided, single submitter. Criteria: GeneDx Variant Classification Process June 2021. Collection method: clinical testing. Allele origin: germline.
Comment: Nonsense variant predicted to result in protein truncation or nonsense mediated decay in a gene for which loss of function is a known mechanism of disease; Not observed at a significant frequency in large population cohorts (gnomAD); This variant is associated with the following publications: (PMID: 39888183, 30369598, 33532864, 27499327, 37372416, 31056860)

3billion
Classification: Pathogenic for Polycystic kidney disease, adult type. Last evaluated: 2025-12-11. Review status: criteria provided, single submitter. Criteria: ACMG Guidelines, 2015. Collection method: clinical testing. Allele origin: germline. Affected: yes.
Comment: The variant is not observed in the gnomAD v4.1.0 dataset. Predicted Consequence/Location: Stop-gained (nonsense): predicted to result in a loss or disruption of normal protein function through nonsense-mediated decay (NMD) or protein truncation. Multiple pathogenic variants are reported downstream of the variant. The variant has been reported at least twice as pathogenic with clinical assertions and evidence for the classification (ClinVar ID: VCV000636940 /PMID: 27499327). Therefore, this variant is classified as Pathogenic according to the recommendation of ACMG/AMP guideline.

PreventionGenetics, part of Exact Sciences
Classification: Pathogenic for PKD1-related condition. Last evaluated: 2025-05-07. Review status: criteria provided, single submitter. Criteria: ACMG Guidelines, 2015. Collection method: clinical testing. Allele origin: germline.
Comment: The PKD1 c.7984C>T variant is predicted to result in premature protein termination (p.Gln2662*). This variant has been reported to be causative for autosomal dominant polycystic kidney disease (ADPKD) (see for example, Suppl. Table S3, Carrera et al. 2016. PubMed ID: 27499327). To our knowledge, this variant has not been reported in a large population database (gnomAD), indicating this variant is rare. Nonsense variants in PKD1 are expected to be pathogenic. This variant is interpreted as pathogenic.

Women's Health and Genetics/Laboratory Corporation of America, LabCorp
Classification: Pathogenic for Polycystic kidney disease, adult type. Last evaluated: 2025-05-01. Review status: criteria provided, single submitter. Criteria: LabCorp Variant Classification Summary - May 2015. Collection method: clinical testing. Allele origin: germline.
Comment: Variant summary: PKD1 c.7984C>T (p.Gln2662X) results in a premature termination codon, predicted to cause a truncation of the encoded protein or absence of the protein due to nonsense mediated decay, which are commonly known mechanisms for disease. Truncations downstream of this position have been classified as pathogenic by our laboratory. The variant allele was found at a frequency of 4.4e-06 in 227002 control chromosomes (gnomAD). c.7984C>T has been reported in the literature in individuals affected with Polycystic Kidney Disease 1 (e.g. Carrera_2016, Wang_2019, Domingo-Gallego_2022). These data indicate that the variant may be associated with disease. To our knowledge, no experimental evidence demonstrating an impact on protein function has been reported. The following publications have been ascertained in the context of this evaluation (PMID: 27499327, 33532864, 31056860). ClinVar contains an entry for this variant (Variation ID: 636940). Based on the evidence outlined above, the variant was classified as pathogenic.

Blueprint Genetics
Classification: Pathogenic for PKD1-related disorders. Last evaluated: 2024-09-02. Review status: criteria provided, single submitter. Criteria: ACMG Guidelines, 2015. Collection method: clinical testing. Allele origin: germline. Affected: yes. Observed: 4 variant alleles.

Fulgent Genetics
Classification: Pathogenic for Polycystic kidney disease, adult type. Last evaluated: 2024-05-22. Review status: criteria provided, single submitter. Criteria: ACMG Guidelines, 2015. Collection method: clinical testing. Allele origin: germline.

Ambry Genetics
Classification: Pathogenic for Inborn genetic diseases. Last evaluated: 2023-10-10. Review status: criteria provided, single submitter. Criteria: Ambry Variant Classification Scheme 2023. Collection method: clinical testing. Allele origin: germline.
Comment: The c.7984C>T (p.Q2662*) alteration, located in exon 21 (coding exon 21) of the PKD1 gene, consists of a C to T substitution at nucleotide position 7984. This changes the amino acid from a glutamine (Q) to a stop codon at amino acid position 2662. This alteration is expected to result in loss of function by premature protein truncation or nonsense-mediated mRNA decay. This allele was reported in one heterozygous individual in population-based cohorts in the Genome Aggregation Database (gnomAD). This alteration has been detected in the heterozygous state in multiple individuals with clinical features of PKD1-related polycystic kidney disease (Nigro, 2023; Domingo-Gallego, 2022; Wang, 2019; Carrera, 2016). Based on the available evidence, this alteration is classified as pathogenic.

Eurofins-Biomnis
Classification: Pathogenic for Polycystic kidney disease, adult type. Last evaluated: 2022-12-01. Review status: criteria provided, single submitter. Criteria: Accession Criteria ClinVar Biomnis. Collection method: clinical testing. Allele origin: germline. Affected: yes. Observed: 1 heterozygote.

Molecular Biology Laboratory, Fundació Puigvert
Classification: Pathogenic for Polycystic kidney disease, adult type. Last evaluated: 2020-02-01. Review status: criteria provided, single submitter. Criteria: ACMG Guidelines, 2015. Collection method: research. Allele origin: germline. Affected: yes. Study: KidneyPanel_2020.

Lifecell International Pvt. Ltd
Classification: Pathogenic for Polycystic kidney disease, adult type. Review status: criteria provided, single submitter. Criteria: ACMG Guidelines, 2015. Collection method: clinical testing. Allele origin: germline. Inheritance: Autosomal dominant inheritance. Affected: yes. Observed: 1 heterozygote.
Comment: A Heterozygous Nonsense variant c.7984C>T in Exon 21 of the PKD1 gene that results in the amino acid substitution p.Gln2662* was identified. The observed variant has a maximum allele frequency of 0.00000% and novel in gnomAD exomes and genomes, respectively. The severity of the impact of this variant on the protein is high, based on the effect of the protein and REVEL score . Rare Exome Variant Ensemble Learner (REVEL) is an ensembl method for predicting the pathogenicity of missense variants based on a combination of scores from 13 individual tools: MutPred, FATHMM v2.3, VEST 3.0, PolyPhen-2, SIFT, PROVEAN, MutationAssessor, MutationTaster, LRT, GERP++, SiPhy, phyloP, and phastCons. The REVEL score for an individual missense variant can range from 0 to 1, with higher scores reflecting greater likelihood that the variant is disease-causing. ClinVar has also classified this variant as Pathogenic (Variant ID: 636940). This variant is reported by Wang et. al., 2019 for polycystic kidney disease. For these reasons, this variant has been classified as Pathogenic.

Literature cited by the submitters: PubMed 27499327 (cited by 3 submitters); PubMed 33532864 (cited by 3 submitters); PubMed 31056860 (cited by 3 submitters); PubMed 37372416 (cited by Ambry Genetics).

NM_001009944.3(PKD1):c.7984C>T (p.Gln2662Ter)

Gene: PKD1 (polycystin 1, transient receptor potential channel interacting; minus strand). Cytogenetic location: 16p13.3.
Variant type: single nucleotide variant.
Coding change: c.7984C>T on transcript NM_001009944.3 (MANE Select); coding-DNA position 7984, C replaced by T.
Protein change: p.Gln2662Ter; replaces glutamine 2662 with a stop codon.
Molecular consequence: nonsense.
Genome position (GRCh38, 1-based): chr16:2,105,354, G>A on the plus strand (C>T on the coding strand, the complement: PKD1 is on the minus strand). VCF-style: chr16-2105354-G-A. GRCh37 (hg19) VCF-style: chr16-2155355-G-A.
Other names: c.7984C>T, p.Gln2662Ter (NM_000296.4); c.7984C>T (NM_000296.3); short protein forms Q2662*.
Identifiers: ClinVar variation 636940 (VCV000636940.19), dbSNP rs757768731, ClinGen allele CA7830792.